The following is an entry in ClinVar:

NM_021831.6(AGBL5):c.2338A>G (p.Ile780Val)

Gene: AGBL5 (AGBL carboxypeptidase 5; plus strand). Cytogenetic location: 2p23.3.
Variant type: single nucleotide variant.
Coding change: c.2338A>G on transcript NM_021831.6 (MANE Select); coding-DNA position 2338, A replaced by G.
Protein change: p.Ile780Val; replaces isoleucine 780 with valine.
Molecular consequence: missense variant. On other transcripts: non-coding transcript variant (2).
Genome position (GRCh38, 1-based): chr2:27,068,727, A>G. VCF-style: chr2-27068727-A-G. GRCh37 (hg19) VCF-style: chr2-27291595-A-G.
Other names: c.2338A>G, p.Ile780Val (NM_001035506.1); short protein forms I780V.
Identifiers: ClinVar variation 1916382 (VCV001916382.3), dbSNP rs1338568016, ClinGen allele CA346141753.

ClinVar aggregate classification (germline): Uncertain significance (1 of 4 stars; one submission).

Allele frequency attached by ClinVar (database versions not stated): gnomAD 0.00001; gnomAD exomes 0.00001.
gnomAD v4.1: 13 of 1,613,994 alleles (0.00081%); highest among the groups gnomAD compares: Admixed American, 0.0017%; no homozygotes.

Submission:

Labcorp Genetics (formerly Invitae), Labcorp
Classification: Uncertain significance. Last evaluated: 2022-01-11. Review status: criteria provided, single submitter. Criteria: Invitae Variant Classification Sherloc (09022015). Collection method: clinical testing. Allele origin: germline.
Comment: In summary, the available evidence is currently insufficient to determine the role of this variant in disease. Therefore, it has been classified as a Variant of Uncertain Significance. Algorithms developed to predict the effect of missense changes on protein structure and function output the following: SIFT: "Tolerated"; PolyPhen-2: "Benign"; Align-GVGD: "Class C0". The valine amino acid residue is found in multiple mammalian species, which suggests that this missense change does not adversely affect protein function. This variant has not been reported in the literature in individuals affected with AGBL5-related conditions. This variant is present in population databases (no rsID available, gnomAD 0.1%). This sequence change replaces isoleucine, which is neutral and non-polar, with valine, which is neutral and non-polar, at codon 780 of the AGBL5 protein (p.Ile780Val).